The following is an entry in ClinVar:

NM_017837.4(PIGV):c.1238T>C (p.Met413Thr)

Gene: PIGV (phosphatidylinositol glycan anchor biosynthesis class V; plus strand). Cytogenetic location: 1p36.11.
Variant type: single nucleotide variant.
Coding change: c.1238T>C on transcript NM_017837.4 (MANE Select); coding-DNA position 1238, T replaced by C.
Protein change: p.Met413Thr; replaces methionine 413 with threonine.
Molecular consequence: missense variant. On other transcripts: non-coding transcript variant (1).
Genome position (GRCh38, 1-based): chr1:26,797,600, T>C. VCF-style: chr1-26797600-T-C. GRCh37 (hg19) VCF-style: chr1-27124091-T-C.
Other names: c.1238T>C, p.Met413Thr (NM_001202554.2, NM_001374478.1, NM_001374480.1 and 2 more transcripts); c.857T>C, p.Met286Thr (NM_001374483.1); c.611T>C, p.Met204Thr (NM_001374484.1, NM_001374485.1); c.116T>C, p.Met39Thr (NM_001374486.1); short protein forms M204T, M286T, M39T, M413T.
Identifiers: ClinVar variation 1419508 (VCV001419508.5), dbSNP rs2081400850, ClinGen allele CA339203651.

ClinVar aggregate classification (germline): Uncertain significance (1 of 4 stars; one submission).

gnomAD v4.1: 2 of 1,614,162 alleles (0.00012%); highest among the groups gnomAD compares: Non-Finnish European, 0.000085%; no homozygotes.

Submission:

Labcorp Genetics (formerly Invitae), Labcorp
Classification: Uncertain significance. Last evaluated: 2021-10-05. Review status: criteria provided, single submitter. Criteria: Invitae Variant Classification Sherloc (09022015). Collection method: clinical testing. Allele origin: germline.
Comment: In summary, the available evidence is currently insufficient to determine the role of this variant in disease. Therefore, it has been classified as a Variant of Uncertain Significance. Algorithms developed to predict the effect of missense changes on protein structure and function (SIFT, PolyPhen-2, Align-GVGD) all suggest that this variant is likely to be tolerated. This variant has not been reported in the literature in individuals affected with PIGV-related conditions. This variant is not present in population databases (ExAC no frequency). This sequence change replaces methionine with threonine at codon 413 of the PIGV protein (p.Met413Thr). The methionine residue is weakly conserved and there is a moderate physicochemical difference between methionine and threonine.